The following is an entry in ClinVar:

NM_001291303.3(FAT4):c.14109C>G (p.His4703Gln)

Gene: FAT4 (FAT atypical cadherin 4; plus strand). Cytogenetic location: 4q28.1.
Variant type: single nucleotide variant.
Coding change: c.14109C>G on transcript NM_001291303.3 (MANE Select); coding-DNA position 14109, C replaced by G.
Protein change: p.His4703Gln; replaces histidine 4703 with glutamine.
Molecular consequence: missense variant.
Genome position (GRCh38, 1-based): chr4:125,490,925, C>G. VCF-style: chr4-125490925-C-G. GRCh37 (hg19) VCF-style: chr4-126412080-C-G.
Other names: c.14106C>G, p.His4702Gln (NM_001291285.3); c.14103C>G, p.His4701Gln (NM_024582.6); short protein forms H4702Q, H4701Q, H4703Q.
Identifiers: ClinVar variation 1359188 (VCV001359188.5), dbSNP rs1409640096, ClinGen allele CA358140852.

ClinVar aggregate classification (germline): Uncertain significance (1 of 4 stars; one submission).

Allele frequency attached by ClinVar (database versions not stated): TOPMed 0.00001.
gnomAD v4.1: 8 of 1,614,228 alleles (0.0005%); highest among the groups gnomAD compares: Non-Finnish European, 0.00059%; no homozygotes.

Submission:

Labcorp Genetics (formerly Invitae), Labcorp
Classification: Uncertain significance. Last evaluated: 2021-09-24. Review status: criteria provided, single submitter. Criteria: Invitae Variant Classification Sherloc (09022015). Collection method: clinical testing. Allele origin: germline.
Comment: This sequence change replaces histidine with glutamine at codon 4701 of the FAT4 protein (p.His4701Gln). The histidine residue is highly conserved and there is a small physicochemical difference between histidine and glutamine. This variant is not present in population databases (ExAC no frequency). This variant has not been reported in the literature in individuals with FAT4-related conditions. Advanced modeling of protein sequence and biophysical properties (such as structural, functional, and spatial information, amino acid conservation, physicochemical variation, residue mobility, and thermodynamic stability) performed at Invitae indicates that this missense variant is not expected to disrupt FAT4 protein function. Algorithms developed to predict the effect of sequence changes on RNA splicing suggest that this variant may create or strengthen a splice site, but this prediction has not been confirmed by published transcriptional studies. In summary, the available evidence is currently insufficient to determine the role of this variant in disease. Therefore, it has been classified as a Variant of Uncertain Significance.